The following is an entry in ClinVar:

NM_020975.6(RET):c.1681A>T (p.Ser561Cys)

Gene: RET (ret proto-oncogene; plus strand). Cytogenetic location: 10q11.21.
Variant type: single nucleotide variant.
Coding change: c.1681A>T on transcript NM_020975.6 (MANE Select); coding-DNA position 1681, A replaced by T.
Protein change: p.Ser561Cys; replaces serine 561 with cysteine.
Molecular consequence: missense variant.
Genome position (GRCh38, 1-based): chr10:43,112,885, A>T. VCF-style: chr10-43112885-A-T. GRCh37 (hg19) VCF-style: chr10-43608333-A-T.
Other names: c.1681A>T, p.Ser561Cys (NM_000323.2, NM_001406743.1, NM_001406744.1 and 6 more transcripts); c.919A>T, p.Ser307Cys (NM_001355216.2); c.1552A>T, p.Ser518Cys (NM_001406761.1, NM_001406762.1, NM_001406764.1 and 1 more transcripts); c.1393A>T, p.Ser465Cys (NM_001406766.1, NM_001406767.1, NM_001406770.1); c.1285A>T, p.Ser429Cys (NM_001406769.1, NM_001406772.1); c.1243A>T, p.Ser415Cys (NM_001406771.1, NM_001406773.1); c.1156A>T, p.Ser386Cys (NM_001406774.1); c.955A>T, p.Ser319Cys (NM_001406775.1, NM_001406776.1, NM_001406777.1 and 1 more transcripts); and 5 more; short protein forms S561C, S307C, S166C, S231C, S386C, S219C, S319C, S518C.
Identifiers: ClinVar variation 543726 (VCV000543726.13), dbSNP rs201972250, ClinGen allele CA035049.
Genomic context (GRCh38, chr10:43,112,885, plus strand): 5'-GTGACAGCCTGCTGTGTGTCCTGTGCAGGGATCACCAGGAACTTCTCCACCTGCTCTCCC[A>T]GCACCAAGACCTGCCCCGACGGCCACTGCGATGTTGTGGAGACCCAAGACATCAACATTT-3'
Protein context (NP_066124.1, residues 551-571): ITRNFSTCSP[Ser561Cys]TKTCPDGHCD

ClinVar aggregate classification (germline): Uncertain significance. Review status: criteria provided, multiple submitters, no conflicts (2 of 4 stars). 2 submissions from 2 submitters: Uncertain significance (2). Last evaluated 2025-03-24.

Conditions:
Multiple endocrine neoplasia, type 2 (MEN2). Identifiers: Orphanet 653, MedGen C4048306, MONDO:0019003. Disease mechanism: gain of function.
Hereditary cancer-predisposing syndrome. Also called: Neoplastic Syndromes, Hereditary; Hereditary Cancer Syndrome; Hereditary neoplastic syndrome; Tumor predisposition. Identifiers: Orphanet 140162, MedGen C0027672, MeSH D009386, MONDO:0015356.

Submissions (2):

Labcorp Genetics (formerly Invitae), Labcorp
Classification: Uncertain significance for Multiple endocrine neoplasia, type 2. Last evaluated: 2025-03-24. Review status: criteria provided, single submitter. Criteria: Invitae Variant Classification Sherloc (09022015). Collection method: clinical testing. Allele origin: germline.
Comment: This sequence change replaces serine, which is neutral and polar, with cysteine, which is neutral and slightly polar, at codon 561 of the RET protein (p.Ser561Cys). This variant is present in population databases (rs201972250, gnomAD 0.0009%). This variant has not been reported in the literature in individuals affected with RET-related conditions. ClinVar contains an entry for this variant (Variation ID: 543726). An algorithm developed to predict the effect of missense changes on protein structure and function (PolyPhen-2) suggests that this variant is likely to be disruptive. In summary, the available evidence is currently insufficient to determine the role of this variant in disease. Therefore, it has been classified as a Variant of Uncertain Significance.

Ambry Genetics
Classification: Uncertain significance for Hereditary cancer-predisposing syndrome. Last evaluated: 2023-08-30. Review status: criteria provided, single submitter. Criteria: Ambry Variant Classification Scheme 2023. Collection method: clinical testing. Allele origin: germline.
Comment: The p.S561C variant (also known as c.1681A>T), located in coding exon 9 of the RET gene, results from an A to T substitution at nucleotide position 1681. The serine at codon 561 is replaced by cysteine, an amino acid with dissimilar properties. This amino acid position is conserved. In addition, the in silico prediction for this alteration is inconclusive. Since supporting evidence is limited at this time, the clinical significance of this alteration remains unclear.